The following is an entry in ClinVar:

NM_001160148.2(DDHD1):c.452C>T (p.Pro151Leu)

Gene: DDHD1 (DDHD domain containing 1; minus strand). Cytogenetic location: 14q22.1.
Variant type: single nucleotide variant.
Coding change: c.452C>T on transcript NM_001160148.2 (MANE Select); coding-DNA position 452, C replaced by T.
Protein change: p.Pro151Leu; replaces proline 151 with leucine.
Molecular consequence: missense variant.
Genome position (GRCh38, 1-based): chr14:53,152,647, G>A on the plus strand (C>T on the coding strand, the complement: DDHD1 is on the minus strand). VCF-style: chr14-53152647-G-A. GRCh37 (hg19) VCF-style: chr14-53619365-G-A.
Other names: c.452C>T, p.Pro151Leu (NM_001160147.2, NM_030637.3); short protein forms P151L.
Identifiers: ClinVar variation 2056536 (VCV002056536.4), dbSNP rs201057717, ClinGen allele CA7191492.

ClinVar aggregate classification (germline): Uncertain significance (1 of 4 stars; one submission).

Conditions:
Hereditary spastic paraplegia 28. Also called: Spastic paraplegia 28, autosomal recessive. Identifiers: Orphanet 101008, MedGen C1836295, MONDO:0012256, OMIM 609340.

Allele frequency attached by ClinVar (database versions not stated): 1000 Genomes Project 0.00020; ExAC 0.00002; gnomAD 0.00004; TOPMed 0.00003; 1000 Genomes Project 30x 0.00016.
gnomAD v4.1: 15 of 1,613,084 alleles (0.00093%); highest among the groups gnomAD compares: African/African-American, 0.013%; no homozygotes.

Submission:

Labcorp Genetics (formerly Invitae), Labcorp
Classification: Uncertain significance for Hereditary spastic paraplegia 28. Last evaluated: 2022-06-22. Review status: criteria provided, single submitter. Criteria: Invitae Variant Classification Sherloc (09022015). Collection method: clinical testing. Allele origin: germline.
Comment: Algorithms developed to predict the effect of missense changes on protein structure and function (SIFT, PolyPhen-2, Align-GVGD) all suggest that this variant is likely to be tolerated. In summary, the available evidence is currently insufficient to determine the role of this variant in disease. Therefore, it has been classified as a Variant of Uncertain Significance. This sequence change replaces proline, which is neutral and non-polar, with leucine, which is neutral and non-polar, at codon 151 of the DDHD1 protein (p.Pro151Leu). This variant is present in population databases (rs201057717, gnomAD 0.02%). This variant has not been reported in the literature in individuals affected with DDHD1-related conditions.